The following is an entry in ClinVar:

NM_003001.5(SDHC):c.470T>C (p.Val157Ala)

Gene: SDHC (succinate dehydrogenase complex subunit C; plus strand). Cytogenetic location: 1q23.3.
Variant type: single nucleotide variant.
Coding change: c.470T>C on transcript NM_003001.5 (MANE Select); coding-DNA position 470, T replaced by C.
Protein change: p.Val157Ala; replaces valine 157 with alanine.
Molecular consequence: missense variant. On other transcripts: synonymous variant (3), non-coding transcript variant (1).
Genome position (GRCh38, 1-based): chr1:161,362,393, T>C. VCF-style: chr1-161362393-T-C. GRCh37 (hg19) VCF-style: chr1-161332183-T-C.
Other names: c.306T>C, p.Gly102= (NM_001035511.3); c.368T>C, p.Val123Ala (NM_001035512.3); c.311T>C, p.Val104Ala (NM_001035513.3); c.204T>C, p.Gly68= (NM_001278172.3); c.590T>C, p.Val197Ala (NM_001407115.1); c.413T>C, p.Val138Ala (NM_001407116.1); c.407T>C, p.Val136Ala (NM_001407117.1); c.362T>C, p.Val121Ala (NM_001407118.1); and 2 more; short protein forms V120A, V138A, V157A, V104A, V136A, V197A, V121A, V123A.
Identifiers: ClinVar variation 5029327 (VCV005029327.1).

ClinVar aggregate classification (germline): Uncertain significance (1 of 4 stars; one submission).

Conditions:
Hereditary cancer-predisposing syndrome. Also called: Neoplastic Syndromes, Hereditary; Tumor predisposition; Hereditary neoplastic syndrome; Hereditary Cancer Syndrome. Identifiers: Orphanet 140162, MedGen C0027672, MeSH D009386, MONDO:0015356.

Submission:

Ambry Genetics
Classification: Uncertain significance for Hereditary cancer-predisposing syndrome. Last evaluated: 2026-07-07. Review status: criteria provided, single submitter. Criteria: Ambry Variant Classification Scheme 2023. Collection method: clinical testing. Allele origin: germline.
Comment: The p.V157A variant (also known as c.470T>C), located in coding exon 6 of the SDHC gene, results from a T to C substitution at nucleotide position 470. The valine at codon 157 is replaced by alanine, an amino acid with similar properties. This amino acid position is conserved. In addition, the in silico prediction for this alteration is inconclusive. Based on the available evidence, the clinical significance of this variant remains unclear.